The following is an entry in ClinVar:

NM_001360016.2(G6PD):c.1381G>A (p.Ala461Thr)

Gene: G6PD (glucose-6-phosphate dehydrogenase; minus strand). Cytogenetic location: Xq28.
Variant type: single nucleotide variant.
Coding change: c.1381G>A on transcript NM_001360016.2 (MANE Select); coding-DNA position 1381, G replaced by A.
Protein change: p.Ala461Thr; replaces alanine 461 with threonine.
Molecular consequence: missense variant.
Genome position (GRCh38, 1-based): chrX:154,532,264, C>T on the plus strand (G>A on the coding strand, the complement: G6PD is on the minus strand). VCF-style: chrX-154532264-C-T. GRCh37 (hg19) VCF-style: chrX-153760479-C-T.
Other names: G6PD Yunan; c.1471G>A, p.Ala491Thr (NM_000402.4); c.1381G>A, p.Ala461Thr (NM_001042351.3); short protein forms A461T, A491T.
Identifiers: ClinVar variation 1722636 (VCV001722636.2), dbSNP rs782608284, ClinGen allele CA10566016.

ClinVar aggregate classification (germline): Likely pathogenic (1 of 4 stars; one submission).

Conditions:
Anemia, nonspherocytic hemolytic, due to G6PD deficiency (CNSHA1). Also called: Hemolytic anemia due to G6PD deficiency; Class I glucose-6-phosphate dehydrogenase deficiency; Favism, susceptibility to; ANEMIA, CONGENITAL, NONSPHEROCYTIC HEMOLYTIC, 1. Identifiers: Orphanet 466026, MedGen C2720289, MONDO:0010480, OMIM 300908.

Allele frequency attached by ClinVar (database versions not stated): gnomAD exomes below 0.00001; ExAC 0.00001.

Submission:

Dunham Lab, University of Washington
Classification: Likely pathogenic for Anemia, nonspherocytic hemolytic, due to G6PD deficiency. Last evaluated: 2022-08-12. Review status: criteria provided, single submitter. Criteria: Bayesian ACMG Guidelines, 2018. Collection method: curation. Allele origin: unknown. Affected: yes.
Comment: Variant found in hemizygotes with G6PD deficiency (PP4). Decreased actvity in red blood cells (PS3). Not found in gnomAD (PM2). Not found in gnomAD (PM2). Post_P 0.949 (odds of pathogenicity 168.4, Prior_P 0.1).

Literature cited by the submitters: PubMed 11780463; PubMed 16607506.